The following is an entry in ClinVar:

ClinVar aggregate classification (germline): Benign/Likely benign. Review status: criteria provided, multiple submitters, no conflicts (2 of 4 stars). 4 submissions from 4 submitters: Benign (1); Likely benign (2). 1 of the submissions does not count toward it. Last evaluated 2025-12-29.

Conditions:
Leukodystrophy, hypomyelinating, 7, with or without oligodontia and/or hypogonadotropic hypogonadism (HLD7). Also called: LEUKOENCEPHALOPATHY, HYPOMYELINATING, WITH ATAXIA AND DELAYED DENTITION; ATAXIA, DELAYED DENTITION, AND HYPOMYELINATION; LEUKODYSTROPHY, HYPOMYELINATING, 7, WITH OLIGODONTIA; LEUKODYSTROPHY, HYPOMYELINATING, 7, WITH OLIGODONTIA AND HYPOGONADOTROPIC HYPOGONADISM; LEUKODYSTROPHY, HYPOMYELINATING, 7, WITHOUT OLIGODONTIA OR HYPOGONADOTROPIC HYPOGONADISM; Ataxia, Delayed Dentition and Hypomyelination (ADDH). Identifiers: Orphanet 137639, Orphanet 447893, Orphanet 447896, Orphanet 77295, Orphanet 88637, MedGen CN034185, MONDO:0011897, OMIM 607694.
POLR3A-related disorder. Also called: POLR3A-related condition; POLR3A-related disorders. Identifiers: MedGen CN378587, MONDO:0700276.

Allele frequency attached by ClinVar (database versions not stated): gnomAD 0.00014 and 0.00024; gnomAD exomes 0.00015 and 0.00046; TOPMed 0.00021; ExAC 0.00047; 1000 Genomes Project 0.00080; 1000 Genomes Project 30x 0.00094.
gnomAD v4.1: 260 of 1,614,192 alleles (0.016%); highest among the groups gnomAD compares: East Asian, 0.38%; 2 homozygotes.

Submissions (4):

Labcorp Genetics (formerly Invitae), Labcorp
Classification: Benign. Last evaluated: 2025-12-29. Review status: criteria provided, single submitter. Criteria: Invitae Variant Classification Sherloc (09022015). Collection method: clinical testing. Allele origin: germline.

Blueprint Genetics
Classification: Likely benign. Last evaluated: 2023-09-22. Review status: criteria provided, single submitter. Criteria: ACMG Guidelines, 2015. Collection method: clinical testing. Allele origin: germline.

Illumina Laboratory Services, Illumina
Classification: Likely benign for Leukodystrophy, hypomyelinating, 7, with or without oligodontia and/or hypogonadotropic hypogonadism. Last evaluated: 2018-01-13. Review status: criteria provided, single submitter. Criteria: ICSL Variant Classification Criteria 13 December 2019. Collection method: clinical testing. Allele origin: germline.
Comment: This variant was observed in the ICSL laboratory as part of a predisposition screen in an ostensibly healthy population. It had not been previously curated by ICSL or reported in the Human Gene Mutation Database (HGMD: prior to June 1st, 2018), and was therefore a candidate for classification through an automated scoring system. Utilizing variant allele frequency, disease prevalence and penetrance estimates, and inheritance mode, an automated score was calculated to assess if this variant is too frequent to cause the disease. Based on the score and internal cut-off values, a variant classified as likely benign is not then subjected to further curation. The score for this variant resulted in a classification of likely benign for this disease.

PreventionGenetics, part of Exact Sciences
Classification: Likely benign for POLR3A-related condition. Last evaluated: 2019-05-15. Review status: no assertion criteria provided. Collection method: clinical testing. Allele origin: germline. Not counted in ClinVar's aggregate classification.
Comment: This variant is classified as likely benign based on ACMG/AMP sequence variant interpretation guidelines (Richards et al. 2015 PMID: 25741868, with internal and published modifications).

NM_007055.4(POLR3A):c.1311A>G (p.Arg437=)

Gene: POLR3A (RNA polymerase III subunit A; minus strand). Cytogenetic location: 10q22.3.
Variant type: single nucleotide variant.
Coding change: c.1311A>G on transcript NM_007055.4 (MANE Select); coding-DNA position 1311, A replaced by G.
Protein change: p.Arg437=; no amino-acid change (arginine 437 retained).
Molecular consequence: synonymous variant.
Genome position (GRCh38, 1-based): chr10:78,017,695, T>C on the plus strand (A>G on the coding strand, the complement: POLR3A is on the minus strand). VCF-style: chr10-78017695-T-C. GRCh37 (hg19) VCF-style: chr10-79777453-T-C.
Identifiers: ClinVar variation 736464 (VCV000736464.15), dbSNP rs188441842, ClinGen allele CA5571474.